The following is an entry in ClinVar:

ClinVar aggregate classification (germline): Benign/Likely benign. Review status: criteria provided, multiple submitters, no conflicts (2 of 4 stars). 3 submissions from 3 submitters: Benign (1); Likely benign (2). Last evaluated 2025-10-27.

Conditions:
Developmental and epileptic encephalopathy, 23 (DEE23). Also called: Epileptic encephalopathy, early infantile, 23. Identifiers: Orphanet 411986, MedGen C4014492, MONDO:0014371, OMIM 615859.

Submissions (3):

Labcorp Genetics (formerly Invitae), Labcorp
Classification: Benign. Last evaluated: 2025-10-27. Review status: criteria provided, single submitter. Criteria: Invitae Variant Classification Sherloc (09022015). Collection method: clinical testing. Allele origin: germline.

Genome-Nilou Lab
Classification: Likely benign for Developmental and epileptic encephalopathy, 23. Last evaluated: 2023-04-11. Review status: criteria provided, single submitter. Criteria: ACMG Guidelines, 2015. Collection method: clinical testing. Allele origin: germline. Affected: no.

GeneDx
Classification: Likely benign. Last evaluated: 2020-12-10. Review status: criteria provided, single submitter. Criteria: GeneDx Variant Classification Process June 2021. Collection method: clinical testing. Allele origin: germline. Affected: yes.
Comment: In silico analysis supports a deleterious effect on splicing; Has not been previously published as pathogenic or benign to our knowledge

NM_014495.4(ANGPTL3):c.496-17_496-14del

Genes: ANGPTL3 (angiopoietin like 3; plus strand), DOCK7 (dedicator of cytokinesis 7; minus strand). Cytogenetic location: 1p31.3.
Variant type: Deletion.
Coding change: c.496-17_496-14del on transcript NM_014495.4 (MANE Select); 17 bases into the intron before coding-DNA position 496 through 14 bases into the intron before coding-DNA position 496, 4 bases deleted (CTAC; older notation c.496-17_496-14delCTAC).
Molecular consequence: intron variant.
Genome position (GRCh38, 1-based): chr1:62,598,679-62,598,682, CTAC deleted; deleting any 4 consecutive bases within chr1:62,598,677-62,598,682 gives the same sequence; the c. name uses the placement nearest the transcript's 3' end. VCF-style (leftmost placement, unchanged base first): chr1-62598676-AACCT-A. GRCh37 (hg19) VCF-style: chr1-63064347-AACCT-A.
Other names: c.1683-12056_1683-12053del (NM_001272001.2, NM_001272000.2, NM_033407.4 and 4 more transcripts).
Identifiers: ClinVar variation 1212517 (VCV001212517.12), dbSNP rs558543283, ClinGen allele CA886604.
Genomic context (GRCh38, chr1:62,598,676, plus strand): 5'-TAGATTATGATAGTGTTACAGGAAATTAATAGAAAAGAAAGAGGAAAGCAACTTATAACC[AACCT>A]ACTCTCTATATCCAGACTTTTGTAGAAAAACAAGATAATAGCATCAAAGACCTTCTCCAG-3'